The following is an entry in ClinVar:

ClinVar aggregate classification (germline): Conflicting classifications of pathogenicity. Review status: criteria provided, conflicting classifications (1 of 4 stars). 4 submissions from 4 submitters: Uncertain significance (1); Benign (2); Likely benign (1). Last evaluated 2025-10-24.

Conditions:
Ehlers-Danlos syndrome (EDS). Identifiers: Orphanet 98249, MedGen C0013720, MONDO:0020066.
Congenital contractural arachnodactyly (CCA). Also called: BEALS SYNDROME; Beals-Hecht syndrome; Arthrogryposis, distal, type 9. Identifiers: Orphanet 115, MedGen C0220668, MONDO:0007363, OMIM 121050.

Allele frequency attached by ClinVar (database versions not stated): gnomAD 0.00003 and 0.00004; ESP Exome Variant Server 0.00008; ExAC 0.00001; gnomAD exomes 0.00001; TOPMed 0.00002.
gnomAD v4.1: 108 of 1,613,178 alleles (0.0067%); highest among the groups gnomAD compares: Non-Finnish European, 0.0091%; no homozygotes.

Submissions (4):

Labcorp Genetics (formerly Invitae), Labcorp
Classification: Likely benign for Congenital contractural arachnodactyly. Last evaluated: 2025-10-24. Review status: criteria provided, single submitter. Criteria: Invitae Variant Classification Sherloc (09022015). Collection method: clinical testing. Allele origin: germline.

Women's Health and Genetics/Laboratory Corporation of America, LabCorp
Classification: Benign. Last evaluated: 2025-04-23. Review status: criteria provided, single submitter. Criteria: LabCorp Variant Classification Summary - May 2015. Collection method: clinical testing. Allele origin: germline.
Comment: Variant summary: FBN2 c.6293-8T>A alters a non-conserved nucleotide located at a position not widely known to affect splicing. Several computational tools predict a significant impact on normal splicing: Two predict the variant weakens a 3' acceptor site. One predicts the variant abolishes a 3' acceptor site. One predicts the variant has no significant impact on splicing. However, these predictions have yet to be confirmed by functional studies. The variant allele was found at a frequency of 6.7e-05 in 1613178 control chromosomes, predominantly at a frequency of 9.1e-05 within the Non-Finnish European subpopulation in the gnomAD database. The observed variant frequency within Non-Finnish European control individuals in the gnomAD database is approximately 72.8 fold of the estimated maximal expected allele frequency for a pathogenic variant in FBN2 causing Aortopathy phenotype (1.3e-06). To our knowledge, no occurrence of c.6293-8T>A in individuals affected with Aortopathy and no experimental evidence demonstrating its impact on protein function have been reported. ClinVar contains an entry for this variant (Variation ID: 699106). Based on the evidence outlined above, the variant was classified as benign.

Blueprint Genetics
Classification: Benign. Last evaluated: 2020-08-19. Review status: criteria provided, single submitter. Criteria: ACMG Guidelines, 2015. Collection method: clinical testing. Allele origin: germline.

Genome Diagnostics Laboratory, The Hospital for Sick Children
Classification: Uncertain significance for Ehlers-Danlos syndrome. Last evaluated: 2019-01-01. Review status: criteria provided, single submitter. Criteria: ACMG Guidelines, 2015. Collection method: clinical testing. Allele origin: germline.

NM_001999.4(FBN2):c.6293-8T>A

Gene: FBN2 (fibrillin 2; minus strand). Cytogenetic location: 5q23.3.
Variant type: single nucleotide variant.
Coding change: c.6293-8T>A on transcript NM_001999.4 (MANE Select); 8 bases into the intron before coding-DNA position 6293, T replaced by A.
Molecular consequence: intron variant.
Genome position (GRCh38, 1-based): chr5:128,290,892, A>T on the plus strand (T>A on the coding strand, the complement: FBN2 is on the minus strand). VCF-style: chr5-128290892-A-T. GRCh37 (hg19) VCF-style: chr5-127626584-A-T.
Identifiers: ClinVar variation 699106 (VCV000699106.14), dbSNP rs375682913, ClinGen allele CA3394441.